The following is an entry in ClinVar:

ClinVar aggregate classification (germline): Uncertain significance (1 of 4 stars; one submission).

gnomAD v4.1: 1 of 1,613,668 alleles (0.000062%); no homozygotes.

Submission:

GeneDx
Classification: Uncertain significance. Last evaluated: 2024-03-19. Review status: criteria provided, single submitter. Criteria: GeneDx Variant Classification Process June 2021. Collection method: clinical testing. Allele origin: germline. Affected: yes.
Comment: Not observed at significant frequency in large population cohorts (gnomAD); In silico analysis supports that this missense variant has a deleterious effect on protein structure/function; Has not been previously published as pathogenic or benign to our knowledge

NM_005215.4(DCC):c.1766A>T (p.Lys589Ile)

Gene: DCC (DCC netrin 1 receptor; plus strand). Cytogenetic location: 18q21.2.
Variant type: single nucleotide variant.
Coding change: c.1766A>T on transcript NM_005215.4 (MANE Select); coding-DNA position 1766, A replaced by T.
Protein change: p.Lys589Ile; replaces lysine 589 with isoleucine.
Molecular consequence: missense variant.
Genome position (GRCh38, 1-based): chr18:53,207,722, A>T. VCF-style: chr18-53207722-A-T. GRCh37 (hg19) VCF-style: chr18-50734092-A-T.
Other names: short protein forms K589I.
Identifiers: ClinVar variation 3370764 (VCV003370764.1).